The following is an entry in ClinVar:

ClinVar aggregate classification (germline): Conflicting classifications of pathogenicity. Review status: criteria provided, conflicting classifications (1 of 4 stars). 5 submissions from 5 submitters: Uncertain significance (4); Likely benign (1). Last evaluated 2025-10-01.

Conditions:
Tuberous sclerosis syndrome (TSC). Also called: Tuberous Sclerosis Complex; Tuberous sclerosis. Identifiers: Orphanet 805, MedGen C0041341, MONDO:0001734.
Hereditary cancer-predisposing syndrome. Also called: Hereditary neoplastic syndrome; Neoplastic Syndromes, Hereditary; Hereditary Cancer Syndrome; Tumor predisposition. Identifiers: Orphanet 140162, MedGen C0027672, MeSH D009386, MONDO:0015356.
Tuberous sclerosis 2 (TSC2). Identifiers: Orphanet 805, MedGen C1860707, MONDO:0013199, OMIM 613254.

Submissions (5):

Labcorp Genetics (formerly Invitae), Labcorp
Classification: Likely benign for Tuberous sclerosis 2. Last evaluated: 2025-10-01. Review status: criteria provided, single submitter. Criteria: Invitae Variant Classification Sherloc (09022015). Collection method: clinical testing. Allele origin: germline.

Color Diagnostics, LLC DBA Color Health
Classification: Uncertain significance for Tuberous sclerosis syndrome. Last evaluated: 2025-09-23. Review status: criteria provided, single submitter. Criteria: ACMG Guidelines, 2015. Collection method: clinical testing. Allele origin: germline.
Comment: This missense variant replaces proline with leucine at codon 419 of the TSC2 protein. Computational prediction is inconclusive regarding the impact of this variant on protein structure and function. To our knowledge, functional studies have not been reported for this variant. This variant has not been reported in individuals affected with TSC2-related disorders in the literature. This variant has not been identified in the general population by the Genome Aggregation Database (gnomAD). The available evidence is insufficient to determine the role of this variant in disease conclusively. Therefore, this variant is classified as a Variant of Uncertain Significance.

Ambry Genetics
Classification: Uncertain significance for Hereditary cancer-predisposing syndrome. Last evaluated: 2024-09-18. Review status: criteria provided, single submitter. Criteria: Ambry Variant Classification Scheme 2023. Collection method: clinical testing. Allele origin: germline.
Comment: The p.P419L variant (also known as c.1256C>T), located in coding exon 11 of the TSC2 gene, results from a C to T substitution at nucleotide position 1256. The proline at codon 419 is replaced by leucine, an amino acid with similar properties. This amino acid position is highly conserved in available vertebrate species. In addition, this alteration is predicted to be deleterious by in silico analysis. Based on the available evidence, the clinical significance of this variant remains unclear.

GeneDx
Classification: Uncertain significance. Last evaluated: 2024-02-06. Review status: criteria provided, single submitter. Criteria: GeneDx Variant Classification Process June 2021. Collection method: clinical testing. Allele origin: germline. Affected: yes.
Comment: Not observed at significant frequency in large population cohorts (gnomAD); In silico analysis supports that this missense variant has a deleterious effect on protein structure/function; A different missense change at this residue (p.(P419S)) has been reported in ClinVar; Has not been previously published as pathogenic or benign to our knowledge

Blueprint Genetics
Classification: Uncertain significance. Last evaluated: 2022-11-11. Review status: criteria provided, single submitter. Criteria: ACMG Guidelines, 2015. Collection method: clinical testing. Allele origin: germline.

NM_000548.5(TSC2):c.1256C>T (p.Pro419Leu)

Gene: TSC2 (TSC complex subunit 2; plus strand). Cytogenetic location: 16p13.3.
Variant type: single nucleotide variant.
Coding change: c.1256C>T on transcript NM_000548.5 (MANE Select); coding-DNA position 1256, C replaced by T.
Protein change: p.Pro419Leu; replaces proline 419 with leucine.
Molecular consequence: missense variant.
Genome position (GRCh38, 1-based): chr16:2,062,007, C>T. VCF-style: chr16-2062007-C-T. GRCh37 (hg19) VCF-style: chr16-2112008-C-T.
Other names: c.1256C>T, p.Pro419Leu (NM_001077183.3, NM_001114382.3, NM_001363528.2 and 3 more transcripts); c.1145C>T, p.Pro382Leu (NM_001318827.2); c.1109C>T, p.Pro370Leu (NM_001318829.2); c.656C>T, p.Pro219Leu (NM_001318831.2); c.1289C>T, p.Pro430Leu (NM_001318832.2); short protein forms P419L, P219L, P430L, P370L, P382L.
Identifiers: ClinVar variation 572759 (VCV000572759.17), dbSNP rs1237876686, ClinGen allele CA394321553.